The following is an entry in ClinVar:

ClinVar aggregate classification (germline): Uncertain significance (1 of 4 stars; one submission).

Submission:

Ambry Genetics
Classification: Uncertain significance. Last evaluated: 2025-02-08. Review status: criteria provided, single submitter. Criteria: Ambry Variant Classification Scheme 2023. Collection method: clinical testing. Allele origin: germline.
Comment: The p.L1210V variant (also known as c.3628T>G), located in coding exon 13 of the CDK12 gene, results from a T to G substitution at nucleotide position 3628. The leucine at codon 1210 is replaced by valine, an amino acid with highly similar properties. This amino acid position is conserved. In addition, this alteration is predicted to be tolerated by in silico analysis. Based on the available evidence, the clinical significance of this variant remains unclear.

NM_016507.4(CDK12):c.3628T>G (p.Leu1210Val)

Gene: CDK12 (cyclin dependent kinase 12; plus strand). Cytogenetic location: 17q12.
Variant type: single nucleotide variant.
Coding change: c.3628T>G on transcript NM_016507.4 (MANE Select); coding-DNA position 3628, T replaced by G.
Protein change: p.Leu1210Val; replaces leucine 1210 with valine.
Molecular consequence: missense variant.
Genome position (GRCh38, 1-based): chr17:39,526,184, T>G. VCF-style: chr17-39526184-T-G. GRCh37 (hg19) VCF-style: chr17-37682437-T-G.
Other names: c.3628T>G, p.Leu1210Val (NM_015083.4); short protein forms L1210V.
Identifiers: ClinVar variation 3830629 (VCV003830629.1).